The following is an entry in ClinVar:

NM_001081.4(CUBN):c.4351-1G>C

Gene: CUBN (cubilin; minus strand). Cytogenetic location: 10p13.
Variant type: single nucleotide variant.
Coding change: c.4351-1G>C on transcript NM_001081.4 (MANE Select); the canonical splice acceptor site of the intron before coding-DNA position 4351, G replaced by C.
Molecular consequence: splice acceptor variant.
Genome position (GRCh38, 1-based): chr10:16,984,280, C>G on the plus strand (G>C on the coding strand, the complement: CUBN is on the minus strand). VCF-style: chr10-16984280-C-G. GRCh37 (hg19) VCF-style: chr10-17026279-C-G.
Identifiers: ClinVar variation 2585161 (VCV002585161.1), dbSNP rs2491711751, ClinGen allele CA376145019.

ClinVar aggregate classification (germline): Likely pathogenic (1 of 4 stars; one submission).

Conditions:
Imerslund-Grasbeck syndrome type 1 (IGS1). Also called: Megaloblastic anemia 1, Finnish type; MEGALOBLASTIC ANEMIA, 1; Imerslund-Gräsbeck syndrome 1. Identifiers: MedGen C4016819, MONDO:0100156, OMIM 261100.

Submission:

Neuberg Centre For Genomic Medicine, NCGM
Classification: Likely pathogenic for Imerslund-Grasbeck syndrome type 1. Review status: criteria provided, single submitter. Criteria: ACMG Guidelines, 2015. Collection method: clinical testing. Allele origin: germline. Inheritance: Autosomal recessive inheritance. Affected: yes.
Comment: The splice site acceptor c.4351-1G>C variant in CUBN gene has not been reported previously as a pathogenic variant nor as a benign variant, to our knowledge. It affects the invariant splice site. The variant is novel (not in any individuals) in gnomAD Exomes and 1000 Genomes. Loss of function variants have been previously reported to be disease causing. For these reasons, this variant has been classified as Likely Pathogenic. In the absence of second reportable variant , the molecular diagnosis is not confirmed